The following is an entry in ClinVar:

ClinVar aggregate classification (germline): Uncertain significance (1 of 4 stars; one submission).

Conditions:
Retinoblastoma (RB1). Also called: RETINOBLASTOMA, SOMATIC. Identifiers: Orphanet 790, MedGen C0035335, MeSH D012175, MONDO:0008380, OMIM 180200, HP:0009919. Disease mechanism: loss of function. Inheritance: Both sporadic and heritable forms are tested..

Submission:

Labcorp Genetics (formerly Invitae), Labcorp
Classification: Uncertain significance for Retinoblastoma. Last evaluated: 2023-02-23. Review status: criteria provided, single submitter. Criteria: Invitae Variant Classification Sherloc (09022015). Collection method: clinical testing. Allele origin: germline.
Comment: An algorithm developed to predict the effect of missense changes on protein structure and function (PolyPhen-2) suggests that this variant is likely to be tolerated. This variant has not been reported in the literature in individuals affected with RB1-related conditions. This variant is not present in population databases (gnomAD no frequency). This sequence change replaces serine, which is neutral and polar, with cysteine, which is neutral and slightly polar, at codon 350 of the RB1 protein (p.Ser350Cys). Algorithms developed to predict the effect of sequence changes on RNA splicing suggest that this variant may disrupt the consensus splice site. In summary, the available evidence is currently insufficient to determine the role of this variant in disease. Therefore, it has been classified as a Variant of Uncertain Significance.

NM_000321.3(RB1):c.1048A>T (p.Ser350Cys)

Gene: RB1 (RB transcriptional corepressor 1; plus strand). Cytogenetic location: 13q14.2.
Variant type: single nucleotide variant.
Coding change: c.1048A>T on transcript NM_000321.3 (MANE Select); coding-DNA position 1048, A replaced by T.
Protein change: p.Ser350Cys; replaces serine 350 with cysteine.
Molecular consequence: missense variant.
Genome position (GRCh38, 1-based): chr13:48,367,602, A>T. VCF-style: chr13-48367602-A-T. GRCh37 (hg19) VCF-style: chr13-48941738-A-T.
Other names: c.1048A>T, p.Ser350Cys (NM_001407165.1, NM_001407166.1); short protein forms S350C.
Identifiers: ClinVar variation 2840171 (VCV002840171.3), dbSNP rs2542188729, ClinGen allele CA388160974.